The following is an entry in ClinVar:

NM_017909.4(RMND1):c.-34TCTTC[1]

Gene: RMND1 (required for meiotic nuclear division 1 homolog; minus strand). Cytogenetic location: 6q25.1.
Variant type: Microsatellite.
Coding change: c.-34TCTTC[1] on transcript NM_017909.4 (MANE Select); one copy of the 5-base unit TCTTC starting at c.-34; the reference has two copies in a row; one copy, 5 bases deleted.
Molecular consequence: 5 prime UTR variant.
Genome position (GRCh38, 1-based): chr6:151,452,026-151,452,030, GAAGA deleted on the plus strand (TCTTC on the coding strand, the reverse complement: RMND1 is on the minus strand); deleting any 5 consecutive bases within chr6:151,452,026-151,452,035 gives the same sequence; the position shown is the placement nearest the transcript's 3' end. VCF-style (leftmost placement, unchanged base first): chr6-151452025-GGAAGA-G. GRCh37 (hg19) VCF-style: chr6-151773160-GGAAGA-G.
Other names: c.-26TCTTC[1] (NM_001271937.2).
Identifiers: ClinVar variation 418457 (VCV000418457.1), dbSNP rs936571707, ClinGen allele CA16618253.
Genomic context (GRCh38, chr6:151,452,025, plus strand): 5'-GACCTCCAAGCCGGACCACTCGAGCTGCTAAAGAAAAGGCAATACACTAACCTCTCCGCC[GGAAGA>G]GAAGAAGGAAGCGCCAGGGACGCACGCTTCCTCGGCAGGACTGCAGGGAAAGAGCCGCAC-3'

ClinVar aggregate classification (germline): Likely benign (1 of 4 stars; one submission).

Submission:

GeneDx
Classification: Likely benign. Last evaluated: 2015-11-03. Review status: criteria provided, single submitter. Criteria: GeneDx Variant Classification (06012015). Collection method: clinical testing. Allele origin: germline. Affected: yes.
Comment: This variant is considered likely benign or benign based on one or more of the following criteria: it is a conservative change, it occurs at a poorly conserved position in the protein, it is predicted to be benign by multiple in silico algorithms, and/or has population frequency not consistent with disease.